The following is an entry in ClinVar:

ClinVar aggregate classification (germline): Likely pathogenic (1 of 4 stars; one submission).

Conditions:
Holoprosencephaly 3 (HPE3). Identifiers: Orphanet 2162, MedGen C1840529, MONDO:0007733, OMIM 142945.

Submission:

Laboratory of Molecular Genetics, CHU Rennes
Classification: Likely pathogenic for Holoprosencephaly 3. Last evaluated: 2025-02-27. Review status: criteria provided, single submitter. Criteria: ACMG Guidelines, 2015. Collection method: clinical testing. Allele origin: de novo. Inheritance: Autosomal dominant inheritance. Affected: yes.
Comment: The NM_000193.4:c.494C>T, is a missense variant in SHH in the hedgehog signalling domain (PM1), absent from controls (PM2), predicted pathogenic by prediction tools (PP3) and occurred de novo (PS2). In summary, this variant meets criteria to be classified as likely pathogenic for holoprosencephaly based on the ACMG criteria applied.

NM_000193.4(SHH):c.494C>T (p.Ala165Val)

Gene: SHH (sonic hedgehog signaling molecule; minus strand). Cytogenetic location: 7q36.3.
Variant type: single nucleotide variant.
Coding change: c.494C>T on transcript NM_000193.4 (MANE Select); coding-DNA position 494, C replaced by T.
Protein change: p.Ala165Val; replaces alanine 165 with valine.
Molecular consequence: missense variant. On other transcripts: non-coding transcript variant (2).
Genome position (GRCh38, 1-based): chr7:155,806,364, G>A on the plus strand (C>T on the coding strand, the complement: SHH is on the minus strand). VCF-style: chr7-155806364-G-A. GRCh37 (hg19) VCF-style: chr7-155599058-G-A.
Other names: c.233C>T, p.Ala78Val (NM_001310462.2); short protein forms A165V, A78V.
Identifiers: ClinVar variation 3775157 (VCV003775157.1).